The following is an entry in ClinVar:

NM_020247.5(COQ8A):c.259G>C (p.Ala87Pro)

Gene: COQ8A (coenzyme Q8A; plus strand). Cytogenetic location: 1q42.13.
Variant type: single nucleotide variant.
Coding change: c.259G>C on transcript NM_020247.5 (MANE Select); coding-DNA position 259, G replaced by C.
Protein change: p.Ala87Pro; replaces alanine 87 with proline.
Molecular consequence: missense variant.
Genome position (GRCh38, 1-based): chr1:226,965,081, G>C. VCF-style: chr1-226965081-G-C. GRCh37 (hg19) VCF-style: chr1-227152782-G-C.
Other names: short protein forms A87P.
Identifiers: ClinVar variation 3633774 (VCV003633774.2).

ClinVar aggregate classification (germline): Uncertain significance (1 of 4 stars; one submission).

Submission:

Labcorp Genetics (formerly Invitae), Labcorp
Classification: Uncertain significance. Last evaluated: 2024-08-06. Review status: criteria provided, single submitter. Criteria: Invitae Variant Classification Sherloc (09022015). Collection method: clinical testing. Allele origin: germline.
Comment: This sequence change replaces alanine, which is neutral and non-polar, with proline, which is neutral and non-polar, at codon 87 of the COQ8A protein (p.Ala87Pro). This variant is not present in population databases (gnomAD no frequency). This variant has not been reported in the literature in individuals affected with COQ8A-related conditions. Advanced modeling of protein sequence and biophysical properties (such as structural, functional, and spatial information, amino acid conservation, physicochemical variation, residue mobility, and thermodynamic stability) performed at Invitae indicates that this missense variant is not expected to disrupt COQ8A protein function with a negative predictive value of 95%. In summary, the available evidence is currently insufficient to determine the role of this variant in disease. Therefore, it has been classified as a Variant of Uncertain Significance.